The following is an entry in ClinVar:

ClinVar aggregate classification (germline): Likely benign (1 of 4 stars; one submission).

Allele frequency attached by ClinVar (database versions not stated): gnomAD exomes 0.00002.
gnomAD v4.1: 31 of 1,544,920 alleles (0.002%); highest among the groups gnomAD compares: Non-Finnish European, 0.0024%; no homozygotes.

Submission:

CeGaT Center for Human Genetics Tuebingen
Classification: Likely benign. Last evaluated: 2026-08-01. Review status: criteria provided, single submitter. Criteria: CeGaT Center For Human Genetics Tuebingen Variant Classification Criteria Version 2. Collection method: clinical testing. Allele origin: germline. Affected: yes. Observed: 2 variant alleles.
Comment: ARID1B: BP4, BP7

NM_001374828.1(ARID1B):c.624G>A (p.Gln208=)

Genes: ARID1B (AT-rich interaction domain 1B; plus strand), LOC115308161 (uncharacterized LOC115308161; minus strand). Cytogenetic location: 6q25.3.
Variant type: single nucleotide variant.
Coding change: c.624G>A on transcript NM_001374828.1 (MANE Select); coding-DNA position 624, G replaced by A.
Protein change: p.Gln208=; no amino-acid change (glutamine 208 retained).
Molecular consequence: synonymous variant. On other transcripts: non-coding transcript variant (1).
Genome position (GRCh38, 1-based): chr6:156,778,304, G>A. VCF-style: chr6-156778304-G-A. GRCh37 (hg19) VCF-style: chr6-157099438-G-A.
Other names: c.624G>A, p.Gln208= (NM_001371656.1, NM_001374820.1, NM_017519.3).
Identifiers: ClinVar variation 1335650 (VCV001335650.35), dbSNP rs1022773336, ClinGen allele CA150802716.